The following is an entry in ClinVar:

NC_000016.10:g.(?_89803249)_(89808377_?)del

Gene: FANCA (FA complementation group A; minus strand). Cytogenetic location: 16q24.3.
Variant type: Deletion.
Identifiers: ClinVar variation 830873 (VCV000830873.8).

ClinVar aggregate classification (germline): Pathogenic (1 of 4 stars; one submission).

Conditions:
Fanconi anemia (FA). Also called: Fanconi's anemia. Identifiers: Orphanet 84, MedGen C0015625, MeSH D005199, MONDO:0019391.

Submission:

Labcorp Genetics (formerly Invitae), Labcorp
Classification: Pathogenic for Fanconi anemia. Last evaluated: 2021-12-25. Review status: criteria provided, single submitter. Criteria: Invitae Variant Classification Sherloc (09022015). Collection method: clinical testing. Allele origin: germline.
Comment: For these reasons, this variant has been classified as Pathogenic. The region of the FANCA gene that includes exon(s) 6-7 has been determined to be clinically significant (PMID: 15059067, 16015582, 24584348, 26841305, 29098742, 29797310). Therefore, deletions that encompass that region are likely to be disease-causing. A similar copy number variant has been observed in individuals with Fanconi anemia (PMID: 16015582, 26841305). This variant is a gross deletion of the genomic region encompassing exon(s) 6-8 of the FANCA gene. This variant would be expected to be in-frame, preserving the integrity of the reading frame.

Literature cited by the submitters: PubMed 15059067; PubMed 16015582; PubMed 24584348; PubMed 26841305; PubMed 29098742; PubMed 29797310.